The following is an entry in ClinVar:

ClinVar aggregate classification (germline): Uncertain significance. Review status: criteria provided, multiple submitters, no conflicts (2 of 4 stars). 2 submissions from 2 submitters: Uncertain significance (2). Last evaluated 2023-03-23.

Conditions:
Cardiovascular phenotype. Identifiers: MedGen CN230736.
Myofibrillar myopathy 5. Also called: FILAMINOPATHY, AUTOSOMAL DOMINANT; Filaminopathy (type). Identifiers: Orphanet 171445, MedGen C1836050, MONDO:0012289, OMIM 609524.
Distal myopathy with posterior leg and anterior hand involvement. Also called: WILLIAMS DISTAL MYOPATHY. Identifiers: Orphanet 63273, MedGen C3279722, MONDO:0013550, OMIM 614065.
Hypertrophic cardiomyopathy 26. Also called: Cardiomyopathy, familial hypertrophic, 26. Identifiers: Orphanet 75249, MedGen C4310749, MONDO:0014883, OMIM 617047.

gnomAD v4.1: 1 of 1,613,028 alleles (0.000062%); highest among the groups gnomAD compares: African/African-American, 0.0013%; no homozygotes.

Submissions (2):

Ambry Genetics
Classification: Uncertain significance for Cardiovascular phenotype. Last evaluated: 2023-03-23. Review status: criteria provided, single submitter. Criteria: Ambry Variant Classification Scheme 2023. Collection method: clinical testing. Allele origin: germline.
Comment: The p.R437G variant (also known as c.1309C>G), located in coding exon 8 of the FLNC gene, results from a C to G substitution at nucleotide position 1309. The arginine at codon 437 is replaced by glycine, an amino acid with dissimilar properties. This amino acid position is conserved. In addition, this alteration is predicted to be deleterious by in silico analysis. Since supporting evidence is limited at this time, the clinical significance of this alteration remains unclear.

Labcorp Genetics (formerly Invitae), Labcorp
Classification: Uncertain significance for Distal myopathy with posterior leg and anterior hand involvement; Myofibrillar myopathy 5; Hypertrophic cardiomyopathy 26. Last evaluated: 2018-10-06. Review status: criteria provided, single submitter. Criteria: Invitae Variant Classification Sherloc (09022015). Collection method: clinical testing. Allele origin: germline.
Comment: This sequence change replaces arginine with glycine at codon 437 of the FLNC protein (p.Arg437Gly). The arginine residue is moderately conserved and there is a moderate physicochemical difference between arginine and glycine. This variant is not present in population databases (ExAC no frequency). This variant has not been reported in the literature in individuals with FLNC-related disease. Algorithms developed to predict the effect of missense changes on protein structure and function are either unavailable or do not agree on the potential impact of this missense change (SIFT: "Tolerated"; PolyPhen-2: "Possibly Damaging"; Align-GVGD: "Class C0"). In summary, the available evidence is currently insufficient to determine the role of this variant in disease. Therefore, it has been classified as a Variant of Uncertain Significance.

NM_001458.5(FLNC):c.1309C>G (p.Arg437Gly)

Gene: FLNC (filamin C; plus strand). Cytogenetic location: 7q32.1.
Variant type: single nucleotide variant.
Coding change: c.1309C>G on transcript NM_001458.5 (MANE Select); coding-DNA position 1309, C replaced by G.
Protein change: p.Arg437Gly; replaces arginine 437 with glycine.
Molecular consequence: missense variant.
Genome position (GRCh38, 1-based): chr7:128,838,701, C>G. VCF-style: chr7-128838701-C-G. GRCh37 (hg19) VCF-style: chr7-128478755-C-G.
Other names: c.1309C>G, p.Arg437Gly (NM_001127487.2); short protein forms R437G.
Identifiers: ClinVar variation 665095 (VCV000665095.11), dbSNP rs374847180, ClinGen allele CA369224732.